The following is an entry in ClinVar:

NM_000256.3(MYBPC3):c.851+17C>A

Gene: MYBPC3 (myosin binding protein C3; minus strand). Cytogenetic location: 11p11.2.
Variant type: single nucleotide variant.
Coding change: c.851+17C>A on transcript NM_000256.3 (MANE Select); 17 bases into the intron after coding-DNA position 851, C replaced by A.
Molecular consequence: intron variant.
Genome position (GRCh38, 1-based): chr11:47,347,634, G>T on the plus strand (C>A on the coding strand, the complement: MYBPC3 is on the minus strand). VCF-style: chr11-47347634-G-T. GRCh37 (hg19) VCF-style: chr11-47369185-G-T.
Identifiers: ClinVar variation 682513 (VCV000682513.5), dbSNP rs544916876, ClinGen allele CA057090.

ClinVar aggregate classification (germline): Benign/Likely benign. Review status: criteria provided, multiple submitters, no conflicts (2 of 4 stars). 3 submissions from 3 submitters: Benign (2); Likely benign (1). Last evaluated 2025-10-09.

Conditions:
Hypertrophic cardiomyopathy. Also called: HYPERTROPHIC MYOCARDIOPATHY. Identifiers: Orphanet 217569, MedGen C0007194, MeSH D002312, MONDO:0005045, HP:0001639.

Allele frequency attached by ClinVar (database versions not stated): gnomAD exomes 0.00014; ExAC 0.00040; gnomAD below 0.00001 and 0.00003; TOPMed below 0.00001; 1000 Genomes Project 0.00040; 1000 Genomes Project 30x 0.00031.
gnomAD v4.1: 72 of 1,572,564 alleles (0.0046%); highest among the groups gnomAD compares: South Asian, 0.081%; no homozygotes.

Submissions (3):

Labcorp Genetics (formerly Invitae), Labcorp
Classification: Benign for Hypertrophic cardiomyopathy. Last evaluated: 2025-10-09. Review status: criteria provided, single submitter. Criteria: Invitae Variant Classification Sherloc (09022015). Collection method: clinical testing. Allele origin: germline.

Women's Health and Genetics/Laboratory Corporation of America, LabCorp
Classification: Benign. Last evaluated: 2025-01-09. Review status: criteria provided, single submitter. Criteria: LabCorp Variant Classification Summary - May 2015. Collection method: clinical testing. Allele origin: germline.
Comment: Variant summary: MYBPC3 c.851+17C>A alters a non-conserved nucleotide located at a position not widely known to affect splicing. Consensus agreement among computation tools predict no significant impact on normal splicing (TrAP). However, these predictions have yet to be confirmed by functional studies. The variant allele was found at a frequency of 0.00014 in 185168 control chromosomes, predominantly at a frequency of 0.0011 within the South Asian subpopulation in the gnomAD database. The observed variant frequency within South Asian control individuals in the gnomAD database is approximately 1.099 fold of the estimated maximal expected allele frequency for a pathogenic variant in MYBPC3 causing Hypertrophic Cardiomyopathy phenotype (0.001). To our knowledge, no occurrence of c.851+17C>A in individuals affected with Hypertrophic Cardiomyopathy and no experimental evidence demonstrating its impact on protein function have been reported. ClinVar contains an entry for this variant (Variation ID: 682513). Based on the evidence outlined above, the variant was classified as benign.

GeneDx
Classification: Likely benign. Last evaluated: 2018-05-01. Review status: criteria provided, single submitter. Criteria: GeneDx Variant Classification (06012015). Collection method: clinical testing. Allele origin: germline. Affected: yes.
Comment: This variant is considered likely benign or benign based on one or more of the following criteria: it is a conservative change, it occurs at a poorly conserved position in the protein, it is predicted to be benign by multiple in silico algorithms, and/or has population frequency not consistent with disease.